The following is an entry in ClinVar:

ClinVar aggregate classification (germline): Uncertain significance (1 of 4 stars; one submission).

gnomAD v4.1: 2 of 1,613,830 alleles (0.00012%); highest among the groups gnomAD compares: East Asian, 0.0022%; no homozygotes.

Submission:

GeneDx
Classification: Uncertain significance. Last evaluated: 2025-03-14. Review status: criteria provided, single submitter. Criteria: GeneDx Variant Classification Process June 2021. Collection method: clinical testing. Allele origin: germline. Affected: yes.
Comment: Not observed at significant frequency in large population cohorts (gnomAD); In silico analysis indicates that this missense variant does not alter protein structure/function; Has not been previously published as pathogenic or benign to our knowledge

NM_001357.5(DHX9):c.1850G>A (p.Gly617Asp)

Gene: DHX9 (DExH-box helicase 9; plus strand). Cytogenetic location: 1q25.3.
Variant type: single nucleotide variant.
Coding change: c.1850G>A on transcript NM_001357.5 (MANE Select); coding-DNA position 1850, G replaced by A.
Protein change: p.Gly617Asp; replaces glycine 617 with aspartic acid.
Molecular consequence: missense variant. On other transcripts: non-coding transcript variant (1).
Genome position (GRCh38, 1-based): chr1:182,876,084, G>A. VCF-style: chr1-182876084-G-A. GRCh37 (hg19) VCF-style: chr1-182845219-G-A.
Other names: short protein forms G617D.
Identifiers: ClinVar variation 4088221 (VCV004088221.1).